The following is an entry in ClinVar:

NM_004370.6(COL12A1):c.5564C>G (p.Pro1855Arg)

Gene: COL12A1 (collagen type XII alpha 1 chain; minus strand). Cytogenetic location: 6q13.
Variant type: single nucleotide variant.
Coding change: c.5564C>G on transcript NM_004370.6 (MANE Select); coding-DNA position 5564, C replaced by G.
Protein change: p.Pro1855Arg; replaces proline 1855 with arginine.
Molecular consequence: missense variant.
Genome position (GRCh38, 1-based): chr6:75,133,958, G>C on the plus strand (C>G on the coding strand, the complement: COL12A1 is on the minus strand). VCF-style: chr6-75133958-G-C. GRCh37 (hg19) VCF-style: chr6-75843674-G-C.
Other names: c.2072C>G, p.Pro691Arg (NM_080645.3); short protein forms P1855R, P691R.
Identifiers: ClinVar variation 1044623 (VCV001044623.10), dbSNP rs371970739, ClinGen allele CA140990181.

ClinVar aggregate classification (germline): Uncertain significance (1 of 4 stars; one submission).

Conditions:
Ullrich congenital muscular dystrophy 2 (UCMD2). Identifiers: Orphanet 75840, MedGen C4225314, MONDO:0014654, OMIM 616470.
Bethlem myopathy 2 (BTHLM2). Identifiers: Orphanet 536516, Orphanet 610, MedGen C4225313, MONDO:0034022, OMIM 616471.

Allele frequency attached by ClinVar (database versions not stated): gnomAD 0.00001; TOPMed 0.00002; ESP Exome Variant Server 0.00008.

Submission:

Labcorp Genetics (formerly Invitae), Labcorp
Classification: Uncertain significance for Bethlem myopathy 2; Ullrich congenital muscular dystrophy 2. Last evaluated: 2020-10-09. Review status: criteria provided, single submitter. Criteria: Invitae Variant Classification Sherloc (09022015). Collection method: clinical testing. Allele origin: germline.
Comment: In summary, the available evidence is currently insufficient to determine the role of this variant in disease. Therefore, it has been classified as a Variant of Uncertain Significance. Algorithms developed to predict the effect of missense changes on protein structure and function are either unavailable or do not agree on the potential impact of this missense change (SIFT: "Deleterious"; PolyPhen-2: "Probably Damaging"; Align-GVGD: "Class C0"). This variant has not been reported in the literature in individuals with COL12A1-related conditions. This variant is not present in population databases (ExAC no frequency). This sequence change replaces proline with arginine at codon 1855 of the COL12A1 protein (p.Pro1855Arg). The proline residue is moderately conserved and there is a moderate physicochemical difference between proline and arginine.